The following is an entry in ClinVar:

ClinVar aggregate classification (germline): Uncertain significance. Review status: criteria provided, multiple submitters, no conflicts (2 of 4 stars). 2 submissions from 2 submitters: Uncertain significance (2). Last evaluated 2025-07-10.

Conditions:
Hereditary cancer-predisposing syndrome. Also called: Hereditary Cancer Syndrome; Neoplastic Syndromes, Hereditary; Tumor predisposition; Hereditary neoplastic syndrome. Identifiers: Orphanet 140162, MedGen C0027672, MeSH D009386, MONDO:0015356.
Mitochondrial complex II deficiency, nuclear type 1. Also called: SUCCINATE CoQ REDUCTASE DEFICIENCY. Identifiers: Orphanet 3208, MedGen C5700310, MONDO:0100294, OMIM 252011.
Pheochromocytoma/paraganglioma syndrome 5. Also called: Paragangliomas 5; SDHA-Related Hereditary Paraganglioma-Pheochromocytoma Syndrome. Identifiers: Orphanet 29072, MedGen C3279992, MONDO:0013602, OMIM 614165.

Allele frequency attached by ClinVar (database versions not stated): ExAC 0.00001; 1000 Genomes Project 30x 0.00016; 1000 Genomes Project 0.00020.
gnomAD v4.1: 2 of 1,612,820 alleles (0.00012%); highest among the groups gnomAD compares: South Asian, 0.0011%; no homozygotes.

Submissions (2):

Ambry Genetics
Classification: Uncertain significance for Hereditary cancer-predisposing syndrome. Last evaluated: 2025-07-10. Review status: criteria provided, single submitter. Criteria: Ambry Variant Classification Scheme 2023. Collection method: clinical testing. Allele origin: germline.
Comment: The p.Y156H variant (also known as c.466T>C), located in coding exon 5 of the SDHA gene, results from a T to C substitution at nucleotide position 466. The tyrosine at codon 156 is replaced by histidine, an amino acid with similar properties. This amino acid position is not well conserved in available vertebrate species. In addition, the in silico prediction for this alteration is inconclusive. Based on the available evidence, the clinical significance of this variant remains unclear.

Labcorp Genetics (formerly Invitae), Labcorp
Classification: Uncertain significance for Pheochromocytoma/paraganglioma syndrome 5; Mitochondrial complex II deficiency, nuclear type 1. Last evaluated: 2025-04-06. Review status: criteria provided, single submitter. Criteria: Invitae Variant Classification Sherloc (09022015). Collection method: clinical testing. Allele origin: germline.
Comment: This sequence change replaces tyrosine, which is neutral and polar, with histidine, which is basic and polar, at codon 156 of the SDHA protein (p.Tyr156His). This variant is present in population databases (rs569384870, gnomAD 0.003%). This variant has not been reported in the literature in individuals affected with SDHA-related conditions. ClinVar contains an entry for this variant (Variation ID: 2179209). Invitae Evidence Modeling of protein sequence and biophysical properties (such as structural, functional, and spatial information, amino acid conservation, physicochemical variation, residue mobility, and thermodynamic stability) has been performed for this missense variant. However, the output from this modeling did not meet the statistical confidence thresholds required to predict the impact of this variant on SDHA protein function. In summary, the available evidence is currently insufficient to determine the role of this variant in disease. Therefore, it has been classified as a Variant of Uncertain Significance.

NM_004168.4(SDHA):c.466T>C (p.Tyr156His)

Gene: SDHA (succinate dehydrogenase complex flavoprotein subunit A; plus strand). Cytogenetic location: 5p15.33.
Variant type: single nucleotide variant.
Coding change: c.466T>C on transcript NM_004168.4 (MANE Select); coding-DNA position 466, T replaced by C.
Protein change: p.Tyr156His; replaces tyrosine 156 with histidine.
Molecular consequence: missense variant.
Genome position (GRCh38, 1-based): chr5:225,892, T>C. VCF-style: chr5-225892-T-C. GRCh37 (hg19) VCF-style: chr5-226007-T-C.
Other names: c.322T>C, p.Tyr108His (NM_001294332.2); c.466T>C, p.Tyr156His (NM_001330758.2); c.466T>C (NM_004168.2); short protein forms Y156H, Y108H.
Identifiers: ClinVar variation 2179209 (VCV002179209.5), dbSNP rs569384870, ClinGen allele CA3172856.